The following is an entry in ClinVar:

ClinVar aggregate classification (germline): Pathogenic (1 of 4 stars; one submission).

Conditions:
Hereditary cancer-predisposing syndrome. Also called: Neoplastic Syndromes, Hereditary; Tumor predisposition; Hereditary neoplastic syndrome; Hereditary Cancer Syndrome. Identifiers: Orphanet 140162, MedGen C0027672, MeSH D009386, MONDO:0015356.
Cardiovascular phenotype. Identifiers: MedGen CN230736.

Submission:

Ambry Genetics
Classification: Pathogenic for Cardiovascular phenotype; Hereditary cancer-predisposing syndrome. Last evaluated: 2023-06-05. Review status: criteria provided, single submitter. Criteria: Ambry Variant Classification Scheme 2023. Collection method: clinical testing. Allele origin: germline.
Comment: The c.6873_6891del19 pathogenic mutation, located in coding exon 46 of the NF1 gene, results from a deletion of 19 nucleotides at nucleotide positions 6873 to 6891, causing a translational frameshift with a predicted alternate stop codon (p.H2291Qfs*28). This variant is considered to be rare based on population cohorts in the Genome Aggregation Database (gnomAD). This alteration is expected to result in loss of function by premature protein truncation or nonsense-mediated mRNA decay. As such, this alteration is interpreted as a disease-causing mutation.

NM_001042492.3(NF1):c.6936_6954del (p.His2312fs)

Gene: NF1 (neurofibromin 1; plus strand). Cytogenetic location: 17q11.2.
Variant type: Deletion.
Coding change: c.6936_6954del on transcript NM_001042492.3 (MANE Select); coding-DNA positions 6936 to 6954, 19 bases deleted (CAAAGCCCTCTTTTGGGTA).
Protein change: p.His2312fs; shifts the reading frame from histidine 2312.
Molecular consequence: frameshift variant.
Genome position (GRCh38, 1-based): chr17:31,340,519-31,340,537, CAAAGCCCTCTTTTGGGTA deleted; deleting any 19 consecutive bases within chr17:31,340,518-31,340,537 gives the same sequence; the c. name uses the placement nearest the transcript's 3' end. VCF-style (leftmost placement, unchanged base first): chr17-31340517-CACAAAGCCCTCTTTTGGGT-C. GRCh37 (hg19) VCF-style: chr17-29667535-CACAAAGCCCTCTTTTGGGT-C.
Other names: c.6873_6891del19 (NM_000267.3); c.6873_6891del19, p.His2291Glnfs (NM_000267.4); short protein forms H2291fs, H2312fs.
Identifiers: ClinVar variation 3237904 (VCV003237904.1), dbSNP rs2508769931.
Genomic context (GRCh38, chr17:31,340,517, plus strand): 5'-CTATGTCATGATTCATCTTACTAGCCTCAAACATATCTTCTTTGCCAGGACTCGCCTCTG[CACAAAGCCCTCTTTTGGGT>C]AGCTGTGGCTGTGCTGCAGCTTGATGAGGTCAACTTGTATTCAGCAGGTACCGCACTTCT-3'